The following is an entry in ClinVar:

NM_182961.4(SYNE1):c.23137C>T (p.Arg7713Cys)

Gene: SYNE1 (spectrin repeat containing nuclear envelope protein 1; minus strand). Cytogenetic location: 6q25.2.
Variant type: single nucleotide variant.
Coding change: c.23137C>T on transcript NM_182961.4 (MANE Select); coding-DNA position 23137, C replaced by T.
Protein change: p.Arg7713Cys; replaces arginine 7713 with cysteine.
Molecular consequence: missense variant.
Genome position (GRCh38, 1-based): chr6:152,201,832, G>A on the plus strand (C>T on the coding strand, the complement: SYNE1 is on the minus strand). VCF-style: chr6-152201832-G-A. GRCh37 (hg19) VCF-style: chr6-152522967-G-A.
Other names: c.22924C>T, p.Arg7642Cys (NM_033071.5); short protein forms R7713C, R7642C.
Identifiers: ClinVar variation 287447 (VCV000287447.8), dbSNP rs761198027, ClinGen allele CA4053690.
Genomic context (GRCh38, chr6:152,201,832, plus strand): 5'-ATTCCAGCAGAGGCACACAGGTGACGGTGAAAATCTCAGTTCAGTAATTTACCTTGCAAC[G>A]CATTTGTTCTGCATGGAGCTCTTCATGGTGATCCGGGAGAGACTGCGAAAGCTTCTTTTT-3'
Protein context (NP_892006.3, residues 7703-7723): HHEELHAEQM[Arg7713Cys]CKELENAVGS

ClinVar aggregate classification (germline): Uncertain significance. Review status: criteria provided, multiple submitters, no conflicts (2 of 4 stars). 2 submissions from 2 submitters: Uncertain significance (2). Last evaluated 2024-07-20.

Conditions:
Autosomal recessive ataxia, Beauce type. Also called: Spinocerebellar ataxia, autosomal recessive 8; ATAXIA, RECESSIVE, OF BEAUCE; SYNE1 Deficiency; SYNE1-Related Autosomal Recessive Cerebellar Ataxia. Identifiers: Orphanet 88644, MedGen C1853116, MONDO:0012549, OMIM 610743.
Emery-Dreifuss muscular dystrophy 4, autosomal dominant (EDMD4). Also called: EMERY-DREIFUSS MUSCULAR DYSTROPHY 4 WITH VARIABLE FEATURES. Identifiers: Orphanet 261, MedGen C2751807, MONDO:0013071, OMIM 612998.

Allele frequency attached by ClinVar (database versions not stated): ExAC 0.00002; gnomAD 0.00003; TOPMed 0.00003.
gnomAD v4.1: 28 of 1,613,764 alleles (0.0017%); highest among the groups gnomAD compares: Middle Eastern, 0.016%; no homozygotes.

Submissions (2):

Labcorp Genetics (formerly Invitae), Labcorp
Classification: Uncertain significance for Emery-Dreifuss muscular dystrophy 4, autosomal dominant; Autosomal recessive ataxia, Beauce type. Last evaluated: 2024-07-20. Review status: criteria provided, single submitter. Criteria: Invitae Variant Classification Sherloc (09022015). Collection method: clinical testing. Allele origin: germline.
Comment: This sequence change replaces arginine, which is basic and polar, with cysteine, which is neutral and slightly polar, at codon 7642 of the SYNE1 protein (p.Arg7642Cys). This variant is present in population databases (rs761198027, gnomAD 0.01%). This variant has not been reported in the literature in individuals affected with SYNE1-related conditions. ClinVar contains an entry for this variant (Variation ID: 287447). An algorithm developed to predict the effect of missense changes on protein structure and function outputs the following: PolyPhen-2: "Benign". The cysteine amino acid residue is found in multiple mammalian species, which suggests that this missense change does not adversely affect protein function. In summary, the available evidence is currently insufficient to determine the role of this variant in disease. Therefore, it has been classified as a Variant of Uncertain Significance.

Eurofins Ntd Llc (ga)
Classification: Uncertain significance. Last evaluated: 2016-04-15. Review status: criteria provided, single submitter. Criteria: EGL Classification Definitions 2015. Collection method: clinical testing. Allele origin: germline. Observed: 3 variant alleles, 3 heterozygotes.